The following is an entry in ClinVar:

NM_032520.5(GNPTG):c.610-5_610-1del

Gene: GNPTG (N-acetylglucosamine-1-phosphate transferase subunit gamma; plus strand). Cytogenetic location: 16p13.3.
Variant type: Deletion.
Coding change: c.610-5_610-1del on transcript NM_032520.5 (MANE Select); 5 bases into the intron before coding-DNA position 610 through the canonical splice acceptor site of the intron before coding-DNA position 610, 5 bases deleted (TTCAG; older notation c.610-5_610-1delTTCAG).
Molecular consequence: splice acceptor variant.
Genome position (GRCh38, 1-based): chr16:1,362,606-1,362,610, TTCAG deleted. VCF-style (leftmost placement, unchanged base first): chr16-1362605-CTTCAG-C. GRCh37 (hg19) VCF-style: chr16-1412606-CTTCAG-C.
Identifiers: ClinVar variation 1473285 (VCV001473285.6), dbSNP rs2141863931, ClinGen allele CA2573151737.

ClinVar aggregate classification (germline): Likely pathogenic (1 of 4 stars; one submission).

Submission:

Labcorp Genetics (formerly Invitae), Labcorp
Classification: Likely pathogenic. Last evaluated: 2021-08-11. Review status: criteria provided, single submitter. Criteria: Invitae Variant Classification Sherloc (09022015). Collection method: clinical testing. Allele origin: germline.
Comment: This variant is not present in population databases (ExAC no frequency). This sequence change affects a splice site in intron 8 of the GNPTG gene. It is expected to disrupt RNA splicing. Variants that disrupt the donor or acceptor splice site typically lead to a loss of protein function (PMID: 16199547), and loss-of-function variants in GNPTG are known to be pathogenic (PMID: 19370764, 20301784). This variant has not been reported in the literature in individuals affected with GNPTG-related conditions. Algorithms developed to predict the effect of sequence changes on RNA splicing suggest that this variant may disrupt the consensus splice site. In summary, the currently available evidence indicates that the variant is pathogenic, but additional data are needed to prove that conclusively. Therefore, this variant has been classified as Likely Pathogenic.

Literature cited by the submitters: PubMed 16199547; PubMed 19370764; PubMed 20301784.